The following is an entry in ClinVar:

ClinVar aggregate classification (germline): Uncertain significance. Review status: criteria provided, multiple submitters, no conflicts (2 of 4 stars). 4 submissions from 4 submitters: Uncertain significance (4). Last evaluated 2025-07-25.

Conditions:
Hereditary pheochromocytoma and paraganglioma. Also called: Hereditary paragangliomas and pheochromocytomas; Hereditary Paraganglioma-Pheochromocytoma Syndromes; Hereditary pheochromocytoma-paraganglioma. Identifiers: Orphanet 29072, MedGen C4274332, MONDO:0017366.
Hereditary cancer-predisposing syndrome. Also called: Tumor predisposition; Hereditary Cancer Syndrome; Hereditary neoplastic syndrome; Neoplastic Syndromes, Hereditary. Identifiers: Orphanet 140162, MedGen C0027672, MeSH D009386, MONDO:0015356.

Allele frequency attached by ClinVar (database versions not stated): gnomAD exomes below 0.00001; gnomAD 0.00001; TOPMed 0.00001.
gnomAD v4.1: 2 of 1,613,250 alleles (0.00012%); highest among the groups gnomAD compares: Non-Finnish European, 0.00017%; no homozygotes.

Submissions (4):

Ambry Genetics
Classification: Uncertain significance for Hereditary cancer-predisposing syndrome. Last evaluated: 2025-07-25. Review status: criteria provided, single submitter. Criteria: Ambry Variant Classification Scheme 2023. Collection method: clinical testing. Allele origin: germline.
Comment: The p.L14F variant (also known as c.40C>T), located in coding exon 2 of the SDHAF2 gene, results from a C to T substitution at nucleotide position 40. The leucine at codon 14 is replaced by phenylalanine, an amino acid with highly similar properties. This amino acid position is conserved. In addition, this alteration is predicted to be tolerated by in silico analysis. Since supporting evidence is limited at this time, the clinical significance of this alteration remains unclear.

Color Diagnostics, LLC DBA Color Health
Classification: Uncertain significance for Hereditary pheochromocytoma and paraganglioma. Last evaluated: 2025-05-25. Review status: criteria provided, single submitter. Criteria: ACMG Guidelines, 2015. Collection method: clinical testing. Allele origin: germline.
Comment: This missense variant replaces leucine with phenylalanine at codon 14 of the SDHAF2 protein. Computational prediction suggests that this variant may not impact protein structure and function. To our knowledge, functional studies have not been reported for this variant. This variant has not been reported in individuals affected with SDHAF2-related disorders in the literature. This variant has not been identified in the general population by the Genome Aggregation Database (gnomAD). The available evidence is insufficient to determine the role of this variant in disease conclusively. Therefore, this variant is classified as a Variant of Uncertain Significance.

Labcorp Genetics (formerly Invitae), Labcorp
Classification: Uncertain significance for Hereditary pheochromocytoma and paraganglioma. Last evaluated: 2024-06-23. Review status: criteria provided, single submitter. Criteria: Invitae Variant Classification Sherloc (09022015). Collection method: clinical testing. Allele origin: germline.
Comment: This sequence change replaces leucine, which is neutral and non-polar, with phenylalanine, which is neutral and non-polar, at codon 14 of the SDHAF2 protein (p.Leu14Phe). This variant is not present in population databases (gnomAD no frequency). This variant has not been reported in the literature in individuals affected with SDHAF2-related conditions. ClinVar contains an entry for this variant (Variation ID: 1428048). Algorithms developed to predict the effect of missense changes on protein structure and function output the following: SIFT: "Not Available"; PolyPhen-2: "Benign"; Align-GVGD: "Not Available". The phenylalanine amino acid residue is found in multiple mammalian species, which suggests that this missense change does not adversely affect protein function. In summary, the available evidence is currently insufficient to determine the role of this variant in disease. Therefore, it has been classified as a Variant of Uncertain Significance.

GeneDx
Classification: Uncertain significance. Last evaluated: 2023-11-27. Review status: criteria provided, single submitter. Criteria: GeneDx Variant Classification Process June 2021. Collection method: clinical testing. Allele origin: germline. Affected: yes.
Comment: Not observed at significant frequency in large population cohorts (gnomAD); In silico analysis supports that this missense variant does not alter protein structure/function; Has not been previously published as pathogenic or benign to our knowledge

NM_017841.4(SDHAF2):c.40C>T (p.Leu14Phe)

Gene: SDHAF2 (succinate dehydrogenase complex assembly factor 2; plus strand). Cytogenetic location: 11q12.2.
Variant type: single nucleotide variant.
Coding change: c.40C>T on transcript NM_017841.4 (MANE Select); coding-DNA position 40, C replaced by T.
Protein change: p.Leu14Phe; replaces leucine 14 with phenylalanine.
Molecular consequence: missense variant.
Genome position (GRCh38, 1-based): chr11:61,437,628, C>T. VCF-style: chr11-61437628-C-T. GRCh37 (hg19) VCF-style: chr11-61205100-C-T.
Other names: c.40C>T (NM_017841.2); short protein forms L14F.
Identifiers: ClinVar variation 1428048 (VCV001428048.12), dbSNP rs1273048863, ClinGen allele CA380682741.